The following is an entry in ClinVar:

NM_006231.4(POLE):c.4635_4637del (p.Leu1546del)

Gene: POLE (DNA polymerase epsilon, catalytic subunit; minus strand). Cytogenetic location: 12q24.33.
Variant type: Deletion.
Coding change: c.4635_4637del on transcript NM_006231.4 (MANE Select); coding-DNA positions 4635 to 4637, 3 bases deleted (CCT; older notation c.4635_4637delCCT).
Protein change: p.Leu1546del; deletes leucine 1546.
Genome position (GRCh38, 1-based): chr12:132,642,911-132,642,913, AGG deleted on the plus strand (CCT on the coding strand, the reverse complement: POLE is on the minus strand); deleting any 3 consecutive bases within chr12:132,642,911-132,642,915 gives the same sequence; the c. name uses the placement nearest the transcript's 3' end. VCF-style (leftmost placement, unchanged base first): chr12-132642910-CAGG-C. GRCh37 (hg19) VCF-style: chr12-133219496-CAGG-C.
Other names: short protein forms L1546del.
Identifiers: ClinVar variation 4141139 (VCV004141139.1).

ClinVar aggregate classification (germline): Uncertain significance (1 of 4 stars; one submission).

Conditions:
Hereditary cancer-predisposing syndrome. Also called: Hereditary neoplastic syndrome; Neoplastic Syndromes, Hereditary; Tumor predisposition; Hereditary Cancer Syndrome. Identifiers: Orphanet 140162, MedGen C0027672, MeSH D009386, MONDO:0015356.

Submission:

Ambry Genetics
Classification: Uncertain significance for Hereditary cancer-predisposing syndrome. Last evaluated: 2025-07-14. Review status: criteria provided, single submitter. Criteria: Ambry Variant Classification Scheme 2023. Collection method: clinical testing. Allele origin: germline.
Comment: The c.4635_4637delCCT variant (also known as p.L1546del) is located in coding exon 36 of the POLE gene. This variant results from an in-frame CCT deletion at nucleotide positions 4635 to 4637. This results in the in-frame deletion of a leucine at codon 1546. This amino acid position is highly conserved in available vertebrate species. Based on the available evidence, the clinical significance of this variant remains unclear.